The following is an entry in ClinVar:

NM_002971.6(SATB1):c.1724A>C (p.His575Pro)

Gene: SATB1 (SATB homeobox 1; minus strand). Cytogenetic location: 3p24.3.
Variant type: single nucleotide variant.
Coding change: c.1724A>C on transcript NM_002971.6 (MANE Select); coding-DNA position 1724, A replaced by C.
Protein change: p.His575Pro; replaces histidine 575 with proline.
Molecular consequence: missense variant.
Genome position (GRCh38, 1-based): chr3:18,352,047, T>G on the plus strand (A>C on the coding strand, the complement: SATB1 is on the minus strand). VCF-style: chr3-18352047-T-G. GRCh37 (hg19) VCF-style: chr3-18393539-T-G.
Other names: c.1724A>C, p.His575Pro (NM_001131010.4, NM_001195470.3, NM_001322871.2 and 4 more transcripts); c.1508A>C, p.His503Pro (NM_001322876.2); short protein forms H503P, H575P.
Identifiers: ClinVar variation 3361716 (VCV003361716.2).

ClinVar aggregate classification (germline): Uncertain significance (1 of 4 stars; one submission).

Submission:

GeneDx
Classification: Uncertain significance. Last evaluated: 2026-06-15. Review status: criteria provided, single submitter. Criteria: GeneDx Variant Classification Process June 2021. Collection method: clinical testing. Allele origin: germline.
Comment: Not observed at significant frequency in large population cohorts (gnomAD); In silico analysis supports that this missense variant has a deleterious effect on protein structure/function; Has not been previously published as pathogenic or benign to our knowledge